The following is an entry in ClinVar:

NM_006231.4(POLE):c.1927T>C (p.Ser643Pro)

Gene: POLE (DNA polymerase epsilon, catalytic subunit; minus strand). Cytogenetic location: 12q24.33.
Variant type: single nucleotide variant.
Coding change: c.1927T>C on transcript NM_006231.4 (MANE Select); coding-DNA position 1927, T replaced by C.
Protein change: p.Ser643Pro; replaces serine 643 with proline.
Molecular consequence: missense variant.
Genome position (GRCh38, 1-based): chr12:132,668,734, A>G on the plus strand (T>C on the coding strand, the complement: POLE is on the minus strand). VCF-style: chr12-132668734-A-G. GRCh37 (hg19) VCF-style: chr12-133245320-A-G.
Other names: short protein forms S643P.
Identifiers: ClinVar variation 4141244 (VCV004141244.1).

ClinVar aggregate classification (germline): Uncertain significance (1 of 4 stars; one submission).

Conditions:
Hereditary cancer-predisposing syndrome. Also called: Hereditary neoplastic syndrome; Neoplastic Syndromes, Hereditary; Tumor predisposition; Hereditary Cancer Syndrome. Identifiers: Orphanet 140162, MedGen C0027672, MeSH D009386, MONDO:0015356.

Submission:

Ambry Genetics
Classification: Uncertain significance for Hereditary cancer-predisposing syndrome. Last evaluated: 2025-09-12. Review status: criteria provided, single submitter. Criteria: Ambry Variant Classification Scheme 2023. Collection method: clinical testing. Allele origin: germline.
Comment: The p.S643P variant (also known as c.1927T>C), located in coding exon 18 of the POLE gene, results from a T to C substitution at nucleotide position 1927. The serine at codon 643 is replaced by proline, an amino acid with similar properties. This amino acid position is conserved. In addition, the in silico prediction for this alteration is inconclusive. Based on the available evidence, the clinical significance of this variant remains unclear.